The following is an entry in ClinVar:

ClinVar aggregate classification (germline): Conflicting classifications of pathogenicity. Review status: criteria provided, conflicting classifications (1 of 4 stars). 4 submissions from 4 submitters: Uncertain significance (1); Likely benign (3). Last evaluated 2024-06-19.

Conditions:
Hereditary cancer-predisposing syndrome. Also called: Hereditary neoplastic syndrome; Hereditary Cancer Syndrome; Tumor predisposition; Neoplastic Syndromes, Hereditary. Identifiers: Orphanet 140162, MedGen C0027672, MeSH D009386, MONDO:0015356.
Rhabdoid tumor predisposition syndrome 2 (RTPS2). Identifiers: Orphanet 231108, Orphanet 69077, MedGen C2750074, MONDO:0013224, OMIM 613325.

Submissions (4):

Labcorp Genetics (formerly Invitae), Labcorp
Classification: Likely benign for Rhabdoid tumor predisposition syndrome 2. Last evaluated: 2024-06-19. Review status: criteria provided, single submitter. Criteria: Invitae Variant Classification Sherloc (09022015). Collection method: clinical testing. Allele origin: germline.

Ambry Genetics
Classification: Uncertain significance for Hereditary cancer-predisposing syndrome. Last evaluated: 2023-11-20. Review status: criteria provided, single submitter. Criteria: Ambry Variant Classification Scheme 2023. Collection method: clinical testing. Allele origin: germline.
Comment: The c.969G>T variant (also known as p.S323S), located in coding exon 5 of the SMARCA4 gene, results from a G to T substitution at nucleotide position 969. This nucleotide substitution does not change the serine at codon 323. This nucleotide position is poorly conserved in available vertebrate species. In silico splice site analysis for this alteration is inconclusive. Since supporting evidence is limited at this time, the clinical significance of this alteration remains unclear.

Blueprint Genetics
Classification: Likely benign. Last evaluated: 2022-12-05. Review status: criteria provided, single submitter. Criteria: ACMG Guidelines, 2015. Collection method: clinical testing. Allele origin: germline.

Sema4
Classification: Likely benign for Hereditary cancer-predisposing syndrome. Last evaluated: 2021-06-11. Review status: criteria provided, single submitter. Criteria: Sema4 Curation Guidelines. Collection method: curation. Allele origin: germline.

NM_003072.5(SMARCA4):c.969G>T (p.Ser323=)

Gene: SMARCA4 (SWI/SNF related BAF chromatin remodeling complex subunit ATPase 4; plus strand). Cytogenetic location: 19p13.2.
Variant type: single nucleotide variant.
Coding change: c.969G>T on transcript NM_003072.5 (MANE Select); coding-DNA position 969, G replaced by T.
Protein change: p.Ser323=; no amino-acid change (serine 323 retained).
Molecular consequence: synonymous variant. On other transcripts: non-coding transcript variant (1).
Genome position (GRCh38, 1-based): chr19:10,987,775, G>T. VCF-style: chr19-10987775-G-T. GRCh37 (hg19) VCF-style: chr19-11098451-G-T.
Other names: c.969G>T, p.Ser323= (NM_001128844.3, NM_001128845.2, NM_001128846.2 and 6 more transcripts).
Identifiers: ClinVar variation 1692600 (VCV001692600.6), dbSNP rs770128715, ClinGen allele CA505489679.
Genomic context (GRCh38, chr19:10,987,775, plus strand): 5'-TCCCCCGCAGCCAACGGGCCGCCCTTCCCCCGCGCCCCCTGCCGTCCCACCCGCCGCCTC[G>T]CCCGTGATGCCACCGCAGACCCAGTCCCCCGGGCAGCCGGCCCAGCCCGCGCCCATGGTG-3'
Protein context (NP_003063.2, residues 313-333): PAPPAVPPAA[Ser323=]PVMPPQTQSP